The following is an entry in ClinVar:

ClinVar aggregate classification (germline): Uncertain significance (1 of 4 stars; one submission).

Conditions:
Hereditary cancer-predisposing syndrome. Also called: Neoplastic Syndromes, Hereditary; Tumor predisposition; Hereditary neoplastic syndrome; Hereditary Cancer Syndrome. Identifiers: Orphanet 140162, MedGen C0027672, MeSH D009386, MONDO:0015356.

Submission:

Ambry Genetics
Classification: Uncertain significance for Hereditary cancer-predisposing syndrome. Last evaluated: 2026-08-26. Review status: criteria provided, single submitter. Criteria: Ambry Variant Classification Scheme 2023. Collection method: clinical testing. Allele origin: germline.
Comment: The c.5284_5287dupAACC variant, located in coding exon 41 of the TSC2 gene, results from a duplication of AACC at nucleotide position 5284, causing a translational frameshift with a predicted alternate stop codon (p.P1763Qfs*13). This variant occurs at the 3' terminus of the gene, is not expected to trigger nonsense-mediated mRNAdecay, and impacts the last 2.5% of the protein. The exact functional effect of this variant is unknown. Based on the available evidence, the clinical significance of this variant remains unclear.

NM_000548.5(TSC2):c.5284_5287dup (p.Pro1763fs)

Gene: TSC2 (TSC complex subunit 2; plus strand). Cytogenetic location: 16p13.3.
Variant type: Duplication.
Coding change: c.5284_5287dup on transcript NM_000548.5 (MANE Select); coding-DNA positions 5284 to 5287, 4 bases duplicated (AACC; older notation c.5284_5287dupAACC).
Protein change: p.Pro1763fs; shifts the reading frame from proline 1763.
Molecular consequence: frameshift variant. On other transcripts: non-coding transcript variant (5).
Genome position (GRCh38, 1-based): chr16:2,088,470-2,088,473, AACC duplicated; duplicating any 4 consecutive bases within chr16:2,088,468-2,088,473 gives the same sequence; the c. name uses the placement nearest the transcript's 3' end. VCF-style (leftmost placement, unchanged base first): chr16-2088467-T-TCCAA. GRCh37 (hg19) VCF-style: chr16-2138468-T-TCCAA.
Other names: c.5083_5086dup, p.Pro1696fs (NM_001077183.3); c.5215_5218dup, p.Pro1740fs (NM_001114382.3); c.4975_4978dup, p.Pro1660fs (NM_001318827.2); c.4939_4942dup, p.Pro1648fs (NM_001318829.2); c.4552_4555dup, p.Pro1519fs (NM_001318831.2); c.5116_5119dup, p.Pro1707fs (NM_001318832.2); c.5086_5089dup, p.Pro1697fs (NM_001363528.2); c.5152_5155dup, p.Pro1719fs (NM_001370404.1); and 28 more; short protein forms P1162fs, P1272fs, P1292fs, P1659fs, P1677fs, P1692fs, P1716fs, P1762fs.
Identifiers: ClinVar variation 5031396 (VCV005031396.1).
Genomic context (GRCh38, chr16:2,088,467, plus strand): 5'-GCCTCCCAGACTTACTGCCCAAGCCGCCTCTGCCTTCAGATCTGCGAGGAAGCCGCCTAC[T>TCCAA]CCAACCCCAGCCTACCTCTGGTGCACCCTCCGTCCCATAGCAAAGCCCCTGCACAGACTC-3'